The following is an entry in ClinVar:

NM_000392.5(ABCC2):c.207+1G>A

Genes: ABCC2 (ATP binding cassette subfamily C member 2; plus strand), LOC108281165 (MED14-independent group 3 enhancer GRCh37_chr10:101544125-101545324; plus strand). Cytogenetic location: 10q24.2.
Variant type: single nucleotide variant.
Coding change: c.207+1G>A on transcript NM_000392.5 (MANE Select); the canonical splice donor site of the intron after coding-DNA position 207, G replaced by A.
Molecular consequence: splice donor variant.
Genome position (GRCh38, 1-based): chr10:99,784,782, G>A. VCF-style: chr10-99784782-G-A. GRCh37 (hg19) VCF-style: chr10-101544539-G-A.
Identifiers: ClinVar variation 595381 (VCV000595381.7), dbSNP rs1161530285, ClinGen allele CA378101027.

ClinVar aggregate classification (germline): Pathogenic/Likely pathogenic. Review status: criteria provided, multiple submitters, no conflicts (2 of 4 stars). 2 submissions from 2 submitters: Pathogenic (1); Likely pathogenic (1). Last evaluated 2026-08-05.

Conditions:
ABCC2-related disorder. Also called: ABCC2-related condition.

Allele frequency attached by ClinVar (database versions not stated): gnomAD exomes below 0.00001; TOPMed below 0.00001.
gnomAD v4.1: 1 of 1,614,020 alleles (0.000062%); highest among the groups gnomAD compares: Admixed American, 0.0017%; no homozygotes.

Submissions (2):

PreventionGenetics, part of Exact Sciences
Classification: Likely pathogenic for ABCC2-related condition. Last evaluated: 2026-08-05. Review status: criteria provided, single submitter. Criteria: ACMG Guidelines, 2015. Collection method: clinical testing. Allele origin: germline.
Comment: The ABCC2 c.207+1G>A variant is predicted to disrupt the GT donor site and interfere with normal splicing. This variant was reported as pathogenic in a single heterozygous individual undergoing carrier screening; however, it has not been reported in any affected individuals to our knowledge (Capalbo et al 2019. PubMed ID: 31589614). This variant is reported in 0.0029% of alleles in individuals of Latino descent in gnomAD. Variants that disrupt the consensus splice donor site in ABCC2 are expected to be pathogenic. This variant is interpreted as likely pathogenic.

Eurofins Ntd Llc (ga)
Classification: Pathogenic. Last evaluated: 2017-12-13. Review status: criteria provided, single submitter. Criteria: EGL Classification Definitions 2015. Collection method: clinical testing. Allele origin: germline. Observed: 1 variant allele, 1 heterozygote.